The following is an entry in ClinVar:

ClinVar aggregate classification (germline): Uncertain significance (1 of 4 stars; one submission).

Conditions:
Fanconi anemia (FA). Also called: Fanconi's anemia. Identifiers: Orphanet 84, MedGen C0015625, MeSH D005199, MONDO:0019391.

gnomAD v4.1: 4 of 1,613,924 alleles (0.00025%); highest among the groups gnomAD compares: Non-Finnish European, 0.00034%; no homozygotes.

Submission:

Labcorp Genetics (formerly Invitae), Labcorp
Classification: Uncertain significance for Fanconi anemia. Last evaluated: 2025-09-20. Review status: criteria provided, single submitter. Criteria: Invitae Variant Classification Sherloc (09022015). Collection method: clinical testing. Allele origin: germline.
Comment: This sequence change replaces alanine, which is neutral and non-polar, with glycine, which is neutral and non-polar, at codon 193 of the FANCL protein (p.Ala193Gly). This variant is not present in population databases (gnomAD no frequency). This variant has not been reported in the literature in individuals affected with FANCL-related conditions. Invitae Evidence Modeling of protein sequence and biophysical properties (such as structural, functional, and spatial information, amino acid conservation, physicochemical variation, residue mobility, and thermodynamic stability) has been performed for this missense variant. However, the output from this modeling did not meet the statistical confidence thresholds required to predict the impact of this variant on FANCL protein function. In summary, the available evidence is currently insufficient to determine the role of this variant in disease. Therefore, it has been classified as a Variant of Uncertain Significance.

NM_018062.4(FANCL):c.578C>G (p.Ala193Gly)

Gene: FANCL (FA complementation group L; minus strand). Cytogenetic location: 2p16.1.
Variant type: single nucleotide variant.
Coding change: c.578C>G on transcript NM_018062.4 (MANE Select); coding-DNA position 578, C replaced by G.
Protein change: p.Ala193Gly; replaces alanine 193 with glycine.
Molecular consequence: missense variant. On other transcripts: non-coding transcript variant (2).
Genome position (GRCh38, 1-based): chr2:58,165,837, G>C on the plus strand (C>G on the coding strand, the complement: FANCL is on the minus strand). VCF-style: chr2-58165837-G-C. GRCh37 (hg19) VCF-style: chr2-58392972-G-C.
Other names: c.593C>G, p.Ala198Gly (NM_001114636.2, NM_001438890.1); c.623C>G, p.Ala208Gly (NM_001374615.1, NM_001438889.1); c.638C>G, p.Ala213Gly (NM_001410792.1); c.578C>G, p.Ala193Gly (NM_001438891.1); c.134C>G, p.Ala45Gly (NM_001438892.1); short protein forms A193G, A198G, A208G, A213G, A45G.
Identifiers: ClinVar variation 4811444 (VCV004811444.1).